The following is an entry in ClinVar:

ClinVar aggregate classification (germline): Likely benign. Review status: criteria provided, multiple submitters, no conflicts (2 of 4 stars). 4 submissions from 4 submitters: Likely benign (4). Last evaluated 2026-02-01.

Conditions:
RYR1-related disorder. Also called: RYR1-related disorders; RYR1-related condition. Identifiers: MedGen CN239331.
Malignant hyperthermia, susceptibility to, 1 (MHS1). Also called: RYR1-Related Malignant Hyperthermia Susceptibility; Anesthesia related hyperthermia; Malignant hyperpyrexia; Fulminating hyperpyrexia; Pharmacogenic myopathy; Malignant hyperthermia suceptibility 1. Identifiers: Orphanet 423, MedGen C2930980, MONDO:0007783, OMIM 145600.

Allele frequency attached by ClinVar (database versions not stated): gnomAD 0.00001; TOPMed 0.00002.
gnomAD v4.1: 13 of 1,613,964 alleles (0.00081%); highest among the groups gnomAD compares: Middle Eastern, 0.016%; no homozygotes.

Submissions (4):

CeGaT Center for Human Genetics Tuebingen
Classification: Likely benign. Last evaluated: 2026-02-01. Review status: criteria provided, single submitter. Criteria: CeGaT Center For Human Genetics Tuebingen Variant Classification Criteria Version 2. Collection method: clinical testing. Allele origin: germline. Affected: yes. Observed: 1 variant allele.
Comment: RYR1: BP4, BP7

Labcorp Genetics (formerly Invitae), Labcorp
Classification: Likely benign for RYR1-related disorder. Last evaluated: 2026-01-28. Review status: criteria provided, single submitter. Criteria: Invitae Variant Classification Sherloc (09022015). Collection method: clinical testing. Allele origin: germline.

All of Us Research Program, National Institutes of Health
Classification: Likely benign for Malignant hyperthermia, susceptibility to, 1. Last evaluated: 2023-11-28. Review status: criteria provided, single submitter. Criteria: ACMG Guidelines, 2015. Collection method: clinical testing. Allele origin: germline. Inheritance: Autosomal dominant inheritance. Observed: 2 variant alleles, 2 heterozygotes.
Comment: This study involves interpretation of variants in research participants for the purpose of population health screening. Participant phenotype was not available at the time of variant classification. Additional details can be found in publication PMID: 35346344, PMCID: PMC8962531

Color Diagnostics, LLC DBA Color Health
Classification: Likely benign for Malignant hyperthermia, susceptibility to, 1. Last evaluated: 2022-11-06. Review status: criteria provided, single submitter. Criteria: ACMG Guidelines, 2015. Collection method: clinical testing. Allele origin: germline.

NM_000540.3(RYR1):c.13848C>T (p.Ala4616=)

Gene: RYR1 (ryanodine receptor 1; plus strand). Cytogenetic location: 19q13.2.
Variant type: single nucleotide variant.
Coding change: c.13848C>T on transcript NM_000540.3 (MANE Select); coding-DNA position 13848, C replaced by T.
Protein change: p.Ala4616=; no amino-acid change (alanine 4616 retained).
Molecular consequence: synonymous variant.
Genome position (GRCh38, 1-based): chr19:38,572,120, C>T. VCF-style: chr19-38572120-C-T. GRCh37 (hg19) VCF-style: chr19-39062760-C-T.
Other names: c.13833C>T, p.Ala4611= (NM_001042723.2).
Identifiers: ClinVar variation 747665 (VCV000747665.14), dbSNP rs1599649109, ClinGen allele CA507356030.
Genomic context (GRCh38, chr19:38,572,120, plus strand): 5'-AGCTGCTGGGGATGTGTCAGGTGCAGGCTCTGGTGGCAGCTCTGGCTGGGGCTTGGGGGC[C>T]GGAGAGGAGGCAGAGGGCGATGAGGATGAGAACATGGTGTACTACTTCCTGGAGGAAAGC-3'
Protein context (NP_000531.2, residues 4606-4626): SGGSSGWGLG[Ala4616=]GEEAEGDEDE